The following is an entry in ClinVar:

NM_002016.2(FLG):c.6918T>C (p.His2306=)

Genes: CCDST (cervical cancer associated DHX9 suppressive transcript; plus strand), FLG (filaggrin; minus strand). Cytogenetic location: 1q21.3.
Variant type: single nucleotide variant.
Coding change: c.6918T>C on transcript NM_002016.2 (MANE Select); coding-DNA position 6918, T replaced by C.
Protein change: p.His2306=; no amino-acid change (histidine 2306 retained).
Molecular consequence: synonymous variant.
Genome position (GRCh38, 1-based): chr1:152,307,968, A>G on the plus strand (T>C on the coding strand, the complement: FLG is on the minus strand). VCF-style: chr1-152307968-A-G. GRCh37 (hg19) VCF-style: chr1-152280444-A-G.
Identifiers: ClinVar variation 2639274 (VCV002639274.25), dbSNP rs139606523, ClinGen allele CA1104976.

ClinVar aggregate classification (germline): Likely benign. Review status: criteria provided, multiple submitters, no conflicts (2 of 4 stars). 2 submissions from 2 submitters: Likely benign (2). Last evaluated 2024-10-02.

Allele frequency attached by ClinVar (database versions not stated): ExAC 0.00019; ESP Exome Variant Server 0.00023; 1000 Genomes Project 0.00040; 1000 Genomes Project 30x 0.00047; gnomAD 0.00056.
gnomAD v4.1: 550 of 1,613,972 alleles (0.034%); highest among the groups gnomAD compares: African/African-American, 0.11%; 1 homozygote.

Submissions (2):

Blueprint Genetics
Classification: Likely benign. Last evaluated: 2024-10-02. Review status: criteria provided, single submitter. Criteria: ACMG Guidelines, 2015. Collection method: clinical testing. Allele origin: germline.

CeGaT Center for Human Genetics Tuebingen
Classification: Likely benign. Last evaluated: 2023-11-01. Review status: criteria provided, single submitter. Criteria: CeGaT Center For Human Genetics Tuebingen Variant Classification Criteria Version 2. Collection method: clinical testing. Allele origin: germline. Affected: yes. Observed: 2 variant alleles.
Comment: FLG: BP4, BP7